The following is an entry in ClinVar:

NM_001036.6(RYR3):c.7547A>G (p.Lys2516Arg)

Gene: RYR3 (ryanodine receptor 3; plus strand). Cytogenetic location: 15q14.
Variant type: single nucleotide variant.
Coding change: c.7547A>G on transcript NM_001036.6 (MANE Select); coding-DNA position 7547, A replaced by G.
Protein change: p.Lys2516Arg; replaces lysine 2516 with arginine.
Molecular consequence: missense variant.
Genome position (GRCh38, 1-based): chr15:33,738,481, A>G. VCF-style: chr15-33738481-A-G. GRCh37 (hg19) VCF-style: chr15-34030682-A-G.
Other names: c.7547A>G, p.Lys2516Arg (NM_001243996.4); short protein forms K2516R.
Identifiers: ClinVar variation 1014015 (VCV001014015.8), dbSNP rs760887545, ClinGen allele CA7459916.

ClinVar aggregate classification (germline): Uncertain significance (1 of 4 stars; one submission).

Conditions:
Epileptic encephalopathy. Identifiers: MedGen C0543888, HP:0200134.

Allele frequency attached by ClinVar (database versions not stated): TOPMed below 0.00001; gnomAD 0.00001; gnomAD exomes 0.00001 and 0.00003; ExAC 0.00002.
gnomAD v4.1: 8 of 1,613,798 alleles (0.0005%); highest among the groups gnomAD compares: Admixed American, 0.013%; no homozygotes.

Submission:

Labcorp Genetics (formerly Invitae), Labcorp
Classification: Uncertain significance for Epileptic encephalopathy. Last evaluated: 2020-04-01. Review status: criteria provided, single submitter. Criteria: Invitae Variant Classification Sherloc (09022015). Collection method: clinical testing. Allele origin: germline.
Comment: In summary, the available evidence is currently insufficient to determine the role of this variant in disease. Therefore, it has been classified as a Variant of Uncertain Significance. Algorithms developed to predict the effect of missense changes on protein structure and function (SIFT, PolyPhen-2, Align-GVGD) all suggest that this variant is likely to be disruptive, but these predictions have not been confirmed by published functional studies and their clinical significance is uncertain. This variant has not been reported in the literature in individuals with RYR3-related conditions. This variant is present in population databases (rs760887545, ExAC 0.02%). This sequence change replaces lysine with arginine at codon 2516 of the RYR3 protein (p.Lys2516Arg). The lysine residue is highly conserved and there is a small physicochemical difference between lysine and arginine.